The following is an entry in ClinVar:

ClinVar aggregate classification (germline): Pathogenic (1 of 4 stars; one submission).

Conditions:
PKD1-related disorder. Also called: PKD1-related condition.

Submission:

PreventionGenetics, part of Exact Sciences
Classification: Pathogenic for PKD1-related condition. Last evaluated: 2025-08-21. Review status: criteria provided, single submitter. Criteria: ACMG Guidelines, 2015. Collection method: clinical testing. Allele origin: germline.
Comment: The PKD1 c.9608_9611delGGGA variant is predicted to result in a frameshift and premature protein termination (p.Arg3203Thrfs*112). To our knowledge, this variant has not been reported in the literature or in a large population database (gnomAD), indicating this variant is rare. Frameshift variants in PKD1 are expected to be pathogenic. This variant is interpreted as pathogenic.

NM_001009944.3(PKD1):c.9608_9611del (p.Arg3203fs)

Gene: PKD1 (polycystin 1, transient receptor potential channel interacting; minus strand). Cytogenetic location: 16p13.3.
Variant type: Deletion.
Coding change: c.9608_9611del on transcript NM_001009944.3 (MANE Select); coding-DNA positions 9608 to 9611, 4 bases deleted (GGGA; older notation c.9608_9611delGGGA).
Protein change: p.Arg3203fs; shifts the reading frame from arginine 3203.
Molecular consequence: frameshift variant.
Genome position (GRCh38, 1-based): chr16:2,100,267-2,100,270, TCCC deleted on the plus strand (GGGA on the coding strand, the reverse complement: PKD1 is on the minus strand); deleting any 4 consecutive bases within chr16:2,100,267-2,100,271 gives the same sequence; the c. name uses the placement nearest the transcript's 3' end. VCF-style (leftmost placement, unchanged base first): chr16-2100266-GTCCC-G. GRCh37 (hg19) VCF-style: chr16-2150267-GTCCC-G.
Other names: c.9608_9611delGGGA (NM_001009944.2); c.9608_9611del, p.Arg3203fs (NM_000296.4); short protein forms R3203fs.
Identifiers: ClinVar variation 4996664 (VCV004996664.1).